The following is an entry in ClinVar:

NM_006420.3(ARFGEF2):c.3456T>C (p.Asp1152=)

Gene: ARFGEF2 (ARF guanine nucleotide exchange factor 2; plus strand). Cytogenetic location: 20q13.13.
Variant type: single nucleotide variant.
Coding change: c.3456T>C on transcript NM_006420.3 (MANE Select); coding-DNA position 3456, T replaced by C.
Protein change: p.Asp1152=; no amino-acid change (aspartic acid 1152 retained).
Molecular consequence: synonymous variant.
Genome position (GRCh38, 1-based): chr20:49,005,093, T>C. VCF-style: chr20-49005093-T-C. GRCh37 (hg19) VCF-style: chr20-47621630-T-C.
Other names: p.Asp1152=.
Identifiers: ClinVar variation 434286 (VCV000434286.27), dbSNP rs145545997, ClinGen allele CA9898950.

ClinVar aggregate classification (germline): Conflicting classifications of pathogenicity. Review status: criteria provided, conflicting classifications (1 of 4 stars). 6 submissions from 6 submitters: Uncertain significance (1); Likely benign (5). Last evaluated 2026-01-05.

Conditions:
Periventricular heterotopia with microcephaly, autosomal recessive (ARPHM). Also called: Periventricular heterotopia with microcephaly; PERIVENTRICULAR NODULAR HETEROTOPIA 2. Identifiers: Orphanet 2149, MedGen C1842563, MONDO:0011966, OMIM 608097.

Allele frequency attached by ClinVar (database versions not stated): ExAC 0.00031; gnomAD exomes 0.00038 and 0.00071; gnomAD 0.00040; TOPMed 0.00045; ESP Exome Variant Server 0.00069.

Submissions (6):

Labcorp Genetics (formerly Invitae), Labcorp
Classification: Likely benign. Last evaluated: 2026-01-05. Review status: criteria provided, single submitter. Criteria: Invitae Variant Classification Sherloc (09022015). Collection method: clinical testing. Allele origin: germline.

CeGaT Center for Human Genetics Tuebingen
Classification: Likely benign. Last evaluated: 2025-04-01. Review status: criteria provided, single submitter. Criteria: CeGaT Center For Human Genetics Tuebingen Variant Classification Criteria Version 2. Collection method: clinical testing. Allele origin: germline. Affected: yes. Observed: 1 variant allele.
Comment: ARFGEF2: BP4, BP7

Mayo Clinic Laboratories, Mayo Clinic
Classification: Likely benign. Last evaluated: 2025-03-11. Review status: criteria provided, single submitter. Criteria: ACMG Guidelines, 2015. Collection method: clinical testing. Allele origin: germline. Observed: 1 variant allele.
Comment: BS1, BP4, BP7

GeneDx
Classification: Likely benign. Last evaluated: 2020-06-01. Review status: criteria provided, single submitter. Criteria: GeneDx Variant Classification Process June 2021. Collection method: clinical testing. Allele origin: germline. Affected: yes.

Illumina Laboratory Services, Illumina
Classification: Uncertain significance for Periventricular heterotopia with microcephaly, autosomal recessive. Last evaluated: 2018-01-13. Review status: criteria provided, single submitter. Criteria: ICSL Variant Classification Criteria 13 December 2019. Collection method: clinical testing. Allele origin: germline.

Genetic Services Laboratory, University of Chicago
Classification: Likely benign. Last evaluated: 2017-03-17. Review status: criteria provided, single submitter. Criteria: ACMG Guidelines, 2015. Collection method: clinical testing. Allele origin: germline. Affected: no.